The following is an entry in ClinVar:

ClinVar aggregate classification (germline): Likely pathogenic (1 of 4 stars; one submission).

Submission:

GeneDx
Classification: Likely pathogenic. Last evaluated: 2025-06-20. Review status: criteria provided, single submitter. Criteria: GeneDx Variant Classification Process June 2021. Collection method: clinical testing. Allele origin: germline. Affected: yes.
Comment: Not observed at significant frequency in large population cohorts (gnomAD); Missense variants in this gene are a common cause of disease and they are underrepresented in the general population; In silico analysis supports that this missense variant has a deleterious effect on protein structure/function; Has not been previously published as pathogenic or benign to our knowledge; This variant is associated with the following publications: (PMID: 29493581, 29402968)

NM_002880.4(RAF1):c.1171A>G (p.Arg391Gly)

Gene: RAF1 (Raf-1 proto-oncogene, serine/threonine kinase; minus strand). Cytogenetic location: 3p25.2.
Variant type: single nucleotide variant.
Coding change: c.1171A>G on transcript NM_002880.4 (MANE Select); coding-DNA position 1171, A replaced by G.
Protein change: p.Arg391Gly; replaces arginine 391 with glycine.
Molecular consequence: missense variant. On other transcripts: non-coding transcript variant (3).
Genome position (GRCh38, 1-based): chr3:12,591,730, T>C on the plus strand (A>G on the coding strand, the complement: RAF1 is on the minus strand). VCF-style: chr3-12591730-T-C. GRCh37 (hg19) VCF-style: chr3-12633229-T-C.
Other names: c.1231A>G, p.Arg411Gly (NM_001354689.3); c.1171A>G, p.Arg391Gly (NM_001354690.3); c.928A>G, p.Arg310Gly (NM_001354691.3, NM_001354692.3); c.1072A>G, p.Arg358Gly (NM_001354693.3); c.988A>G, p.Arg330Gly (NM_001354694.3); c.829A>G, p.Arg277Gly (NM_001354695.3); short protein forms R277G, R310G, R330G, R358G, R391G, R411G.
Identifiers: ClinVar variation 4539998 (VCV004539998.1).